The following is an entry in ClinVar:

ClinVar aggregate classification (germline): Likely benign. Review status: criteria provided, multiple submitters, no conflicts (2 of 4 stars). 2 submissions from 2 submitters: Likely benign (2). Last evaluated 2025-07-23.

Conditions:
Tuberous sclerosis 2 (TSC2). Identifiers: Orphanet 805, MedGen C1860707, MONDO:0013199, OMIM 613254.

Allele frequency attached by ClinVar (database versions not stated): gnomAD exomes below 0.00001 and 0.00001; ExAC 0.00001; gnomAD 0.00001; 1000 Genomes Project 0.00020; 1000 Genomes Project 30x 0.00016.
gnomAD v4.1: 18 of 1,613,276 alleles (0.0011%); highest among the groups gnomAD compares: Non-Finnish European, 0.0015%; no homozygotes.

Submissions (2):

Labcorp Genetics (formerly Invitae), Labcorp
Classification: Likely benign for Tuberous sclerosis 2. Last evaluated: 2025-07-23. Review status: criteria provided, single submitter. Criteria: Invitae Variant Classification Sherloc (09022015). Collection method: clinical testing. Allele origin: germline.

Myriad Genetics, Inc.
Classification: Likely benign for Tuberous sclerosis 2. Last evaluated: 2025-05-15. Review status: criteria provided, single submitter. Criteria: Myriad Autosomal Dominant, Autosomal Recessive and X-Linked Classification Criteria (2023). Collection method: clinical testing. Allele origin: unknown.
Comment: This variant is considered likely benign. This variant is intronic and is not expected to impact mRNA splicing.

NM_000548.5(TSC2):c.1840-16A>G

Gene: TSC2 (TSC complex subunit 2; plus strand). Cytogenetic location: 16p13.3.
Variant type: single nucleotide variant.
Coding change: c.1840-16A>G on transcript NM_000548.5 (MANE Select); 16 bases into the intron before coding-DNA position 1840, A replaced by G.
Molecular consequence: intron variant.
Genome position (GRCh38, 1-based): chr16:2,071,494, A>G. VCF-style: chr16-2071494-A-G. GRCh37 (hg19) VCF-style: chr16-2121495-A-G.
Other names: c.1840-16A>G (NM_001114382.3, NM_021055.3, NM_001370405.1 and 3 more transcripts); c.1729-16A>G (NM_001318827.2); c.1240-16A>G (NM_001318831.2); c.1693-16A>G (NM_001318829.2); c.1873-16A>G (NM_001318832.2).
Identifiers: ClinVar variation 1586684 (VCV001586684.9), dbSNP rs200933920, ClinGen allele CA034029.
Genomic context (GRCh38, chr16:2,071,494, plus strand): 5'-TCTGAGCAGGTGGGACGCCGCCTGTCCTGGGCCTGCACGAGCTTGGCTCTGGCTTTCACC[A>G]TCCTCTTCCTGACAGGCCTTTGACTTCCTGTTGCTGCTGCGGGCCGACTCACTGCACCGC-3'